The following is an entry in ClinVar:

ClinVar aggregate classification (germline): Benign/Likely benign. Review status: criteria provided, multiple submitters, no conflicts (2 of 4 stars). 3 submissions from 3 submitters: Benign (1); Likely benign (2). Last evaluated 2026-01-28.

Conditions:
Isovaleryl-CoA dehydrogenase deficiency (IVA). Also called: Classic Isovaleric Acidemia; IVD DEFICIENCY; Isovaleric acidemia; ISOVALERIC ACID CoA DEHYDROGENASE DEFICIENCY. Identifiers: Orphanet 33, MedGen C0268575, MONDO:0009475, OMIM 243500.

Allele frequency attached by ClinVar (database versions not stated): gnomAD exomes 0.00016 and 0.00043; ExAC 0.00056; 1000 Genomes Project 0.00160; gnomAD 0.00167 and 0.00186; ESP Exome Variant Server 0.00185; 1000 Genomes Project 30x 0.00187; TOPMed 0.00204.
gnomAD v4.1: 506 of 1,613,878 alleles (0.031%); highest among the groups gnomAD compares: African/African-American, 0.6%; 2 homozygotes.

Submissions (3):

Labcorp Genetics (formerly Invitae), Labcorp
Classification: Benign for Isovaleryl-CoA dehydrogenase deficiency. Last evaluated: 2026-01-28. Review status: criteria provided, single submitter. Criteria: Invitae Variant Classification Sherloc (09022015). Collection method: clinical testing. Allele origin: germline.

Blueprint Genetics
Classification: Likely benign. Last evaluated: 2024-10-24. Review status: criteria provided, single submitter. Criteria: ACMG Guidelines, 2015. Collection method: clinical testing. Allele origin: germline.

GeneDx
Classification: Likely benign. Last evaluated: 2017-11-09. Review status: criteria provided, single submitter. Criteria: GeneDx Variant Classification (06012015). Collection method: clinical testing. Allele origin: germline. Affected: yes.
Comment: This variant is considered likely benign or benign based on one or more of the following criteria: it is a conservative change, it occurs at a poorly conserved position in the protein, it is predicted to be benign by multiple in silico algorithms, and/or has population frequency not consistent with disease.

NM_002225.5(IVD):c.235-19T>C

Gene: IVD (isovaleryl-CoA dehydrogenase; plus strand). Cytogenetic location: 15q15.1.
Variant type: single nucleotide variant.
Coding change: c.235-19T>C on transcript NM_002225.5 (MANE Select); 19 bases into the intron before coding-DNA position 235, T replaced by C.
Molecular consequence: intron variant.
Genome position (GRCh38, 1-based): chr15:40,407,920, T>C. VCF-style: chr15-40407920-T-C. GRCh37 (hg19) VCF-style: chr15-40700119-T-C.
Other names: c.322-19T>C (NM_001354600.3, NM_001354599.3); c.235-19T>C (NM_001354598.3, NM_001354601.3); c.187-19T>C (NM_001354597.3); c.145-19T>C (NM_001159508.3).
Identifiers: ClinVar variation 516787 (VCV000516787.10), dbSNP rs144063157, ClinGen allele CA7480561.
Genomic context (GRCh38, chr15:40,407,920, plus strand): 5'-GGGTCTCATTGTTCCAGCCACATGTGACTGGCTGCCTTCCCCTCAACACTTATTCCACTC[T>C]GCTCCATTCTGTTGGCAGGAATTTTGGAAGCAGCTGGGGAACCTGGGCGTATTGGGCATC-3'